The following is an entry in ClinVar:

ClinVar aggregate classification (germline): Uncertain significance (1 of 4 stars; one submission).

Allele frequency attached by ClinVar (database versions not stated): gnomAD exomes below 0.00001.
gnomAD v4.1: 1 of 1,580,656 alleles (0.000063%); highest among the groups gnomAD compares: Non-Finnish European, 0.000086%; no homozygotes.

Submission:

Labcorp Genetics (formerly Invitae), Labcorp
Classification: Uncertain significance. Last evaluated: 2023-07-03. Review status: criteria provided, single submitter. Criteria: Invitae Variant Classification Sherloc (09022015). Collection method: clinical testing. Allele origin: germline.
Comment: This sequence change replaces proline, which is neutral and non-polar, with serine, which is neutral and polar, at codon 1330 of the ALPK3 protein (p.Pro1330Ser). This variant is not present in population databases (gnomAD no frequency). This variant has not been reported in the literature in individuals affected with ALPK3-related conditions. An algorithm developed to predict the effect of missense changes on protein structure and function (PolyPhen-2) suggests that this variant is likely to be tolerated. In summary, the available evidence is currently insufficient to determine the role of this variant in disease. Therefore, it has been classified as a Variant of Uncertain Significance.

NM_020778.5(ALPK3):c.3382C>T (p.Pro1128Ser)

Gene: ALPK3 (alpha kinase 3; plus strand). Cytogenetic location: 15q25.3.
Variant type: single nucleotide variant.
Coding change: c.3382C>T on transcript NM_020778.5 (MANE Select); coding-DNA position 3382, C replaced by T.
Protein change: p.Pro1128Ser; replaces proline 1128 with serine.
Molecular consequence: missense variant.
Genome position (GRCh38, 1-based): chr15:84,858,120, C>T. VCF-style: chr15-84858120-C-T. GRCh37 (hg19) VCF-style: chr15-85401351-C-T.
Other names: short protein forms P1128S.
Identifiers: ClinVar variation 2973740 (VCV002973740.3), dbSNP rs1963890861, ClinGen allele CA393360154.